The following is an entry in ClinVar:

ClinVar aggregate classification (germline): Uncertain significance (1 of 4 stars; one submission).

gnomAD v4.1: 4 of 1,597,086 alleles (0.00025%); highest among the groups gnomAD compares: East Asian, 0.007%; no homozygotes.

Submission:

Ambry Genetics
Classification: Uncertain significance. Last evaluated: 2023-12-01. Review status: criteria provided, single submitter. Criteria: Ambry Variant Classification Scheme 2023. Collection method: clinical testing. Allele origin: germline.
Comment: The p.V14L variant (also known as c.40G>T), located in coding exon 1 of the FAM175A gene, results from a G to T substitution at nucleotide position 40. The valine at codon 14 is replaced by leucine, an amino acid with highly similar properties. This amino acid position is conserved. In addition, the in silico prediction for this alteration is inconclusive. Since supporting evidence is limited at this time, the clinical significance of this alteration remains unclear.

NM_139076.3(ABRAXAS1):c.40G>T (p.Val14Leu)

Genes: ABRAXAS1 (abraxas 1, BRCA1 A complex subunit; minus strand), LOC129992784 (ATAC-STARR-seq lymphoblastoid silent region 15542; plus strand). Cytogenetic location: 4q21.23.
Variant type: single nucleotide variant.
Coding change: c.40G>T on transcript NM_139076.3 (MANE Select); coding-DNA position 40, G replaced by T.
Protein change: p.Val14Leu; replaces valine 14 with leucine.
Molecular consequence: missense variant. On other transcripts: 5 prime UTR variant (1).
Genome position (GRCh38, 1-based): chr4:83,485,033, C>A on the plus strand (G>T on the coding strand, the complement: ABRAXAS1 is on the minus strand). VCF-style: chr4-83485033-C-A. GRCh37 (hg19) VCF-style: chr4-84406186-C-A.
Other names: c.-221G>T (NM_001345962.2); short protein forms V14L.
Identifiers: ClinVar variation 3229148 (VCV003229148.1), dbSNP rs2529472885, ClinGen allele CA357264016.